The following is an entry in ClinVar:

NM_000548.5(TSC2):c.1401C>T (p.Asp467=)

Gene: TSC2 (TSC complex subunit 2; plus strand). Cytogenetic location: 16p13.3.
Variant type: single nucleotide variant.
Coding change: c.1401C>T on transcript NM_000548.5 (MANE Select); coding-DNA position 1401, C replaced by T.
Protein change: p.Asp467=; no amino-acid change (aspartic acid 467 retained).
Molecular consequence: synonymous variant.
Genome position (GRCh38, 1-based): chr16:2,063,011, C>T. VCF-style: chr16-2063011-C-T. GRCh37 (hg19) VCF-style: chr16-2113012-C-T.
Other names: c.1401C>T, p.Asp467= (NM_001077183.3, NM_001114382.3, NM_001363528.2 and 3 more transcripts); c.1290C>T, p.Asp430= (NM_001318827.2); c.1254C>T, p.Asp418= (NM_001318829.2); c.801C>T, p.Asp267= (NM_001318831.2); c.1434C>T, p.Asp478= (NM_001318832.2).
Identifiers: ClinVar variation 467869 (VCV000467869.21), dbSNP rs1433989426, ClinGen allele CA492962556.

ClinVar aggregate classification (germline): Benign/Likely benign. Review status: criteria provided, multiple submitters, no conflicts (2 of 4 stars). 6 submissions from 6 submitters: Benign (2); Likely benign (4). Last evaluated 2025-12-16.

Conditions:
Hereditary cancer-predisposing syndrome. Also called: Hereditary neoplastic syndrome; Neoplastic Syndromes, Hereditary; Tumor predisposition; Hereditary Cancer Syndrome. Identifiers: Orphanet 140162, MedGen C0027672, MeSH D009386, MONDO:0015356.
Tuberous sclerosis syndrome (TSC). Also called: Tuberous Sclerosis Complex; Tuberous sclerosis. Identifiers: Orphanet 805, MedGen C0041341, MONDO:0001734.
Tuberous sclerosis 2 (TSC2). Identifiers: Orphanet 805, MedGen C1860707, MONDO:0013199, OMIM 613254.

Allele frequency attached by ClinVar (database versions not stated): gnomAD 0.00001; gnomAD exomes 0.00001; TOPMed 0.00002.
gnomAD v4.1: 13 of 1,551,344 alleles (0.00084%); highest among the groups gnomAD compares: Admixed American, 0.002%; no homozygotes.

Submissions (6):

Labcorp Genetics (formerly Invitae), Labcorp
Classification: Likely benign for Tuberous sclerosis 2. Last evaluated: 2025-12-16. Review status: criteria provided, single submitter. Criteria: Invitae Variant Classification Sherloc (09022015). Collection method: clinical testing. Allele origin: germline.

Myriad Genetics, Inc.
Classification: Benign for Tuberous sclerosis 2. Last evaluated: 2025-05-14. Review status: criteria provided, single submitter. Criteria: Myriad Autosomal Dominant, Autosomal Recessive and X-Linked Classification Criteria (2023). Collection method: clinical testing. Allele origin: unknown.
Comment: This variant is considered benign. This variant is a silent/synonymous amino acid change and it is not expected to impact splicing.

All of Us Research Program, National Institutes of Health
Classification: Likely benign for Tuberous sclerosis syndrome. Last evaluated: 2023-11-30. Review status: criteria provided, single submitter. Criteria: ACMG Guidelines, 2015. Collection method: clinical testing. Allele origin: germline. Inheritance: Autosomal dominant inheritance. Observed: 5 variant alleles, 5 heterozygotes.
Comment: This study involves interpretation of variants in research participants for the purpose of population health screening. Participant phenotype was not available at the time of variant classification. Additional details can be found in publication PMID: 35346344, PMCID: PMC8962531

Color Diagnostics, LLC DBA Color Health
Classification: Likely benign for Tuberous sclerosis syndrome. Last evaluated: 2022-09-20. Review status: criteria provided, single submitter. Criteria: ACMG Guidelines, 2015. Collection method: clinical testing. Allele origin: germline.

Genome-Nilou Lab
Classification: Benign for Tuberous sclerosis 2. Last evaluated: 2021-11-07. Review status: criteria provided, single submitter. Criteria: ACMG Guidelines, 2015. Collection method: clinical testing. Allele origin: germline. Affected: no.

Ambry Genetics
Classification: Likely benign for Hereditary cancer-predisposing syndrome. Last evaluated: 2019-05-21. Review status: criteria provided, single submitter. Criteria: Ambry Variant Classification Scheme 2023. Collection method: clinical testing. Allele origin: germline.